The following is an entry in ClinVar:

ClinVar aggregate classification (germline): Likely benign. Review status: criteria provided, multiple submitters, no conflicts (2 of 4 stars). 2 submissions from 2 submitters: Likely benign (2). Last evaluated 2026-08-01.

Allele frequency attached by ClinVar (database versions not stated): gnomAD 0.00001 and 0.00003; gnomAD exomes 0.00002 and 0.00005; ExAC 0.00004; TOPMed 0.00005; 1000 Genomes Project 30x 0.00016; 1000 Genomes Project 0.00020.
gnomAD v4.1: 29 of 1,614,204 alleles (0.0018%); highest among the groups gnomAD compares: Middle Eastern, 0.016%; no homozygotes.

Submissions (2):

CeGaT Center for Human Genetics Tuebingen
Classification: Likely benign. Last evaluated: 2026-08-01. Review status: criteria provided, single submitter. Criteria: CeGaT Center For Human Genetics Tuebingen Variant Classification Criteria Version 2. Collection method: clinical testing. Allele origin: germline. Affected: yes. Observed: 2 variant alleles.
Comment: ADNP: BP4, BP7

Labcorp Genetics (formerly Invitae), Labcorp
Classification: Likely benign. Last evaluated: 2025-08-14. Review status: criteria provided, single submitter. Criteria: Invitae Variant Classification Sherloc (09022015). Collection method: clinical testing. Allele origin: germline.

NM_001282531.3(ADNP):c.1584C>T (p.Ala528=)

Gene: ADNP (activity dependent neuroprotector homeobox; minus strand). Cytogenetic location: 20q13.13.
Variant type: single nucleotide variant.
Coding change: c.1584C>T on transcript NM_001282531.3 (MANE Select); coding-DNA position 1584, C replaced by T.
Protein change: p.Ala528=; no amino-acid change (alanine 528 retained).
Molecular consequence: synonymous variant.
Genome position (GRCh38, 1-based): chr20:50,893,130, G>A on the plus strand (C>T on the coding strand, the complement: ADNP is on the minus strand). VCF-style: chr20-50893130-G-A. GRCh37 (hg19) VCF-style: chr20-49509667-G-A.
Other names: c.1584C>T, p.Ala528= (NM_001282532.2, NM_001347511.2, NM_015339.5 and 1 more transcripts).
Identifiers: ClinVar variation 751571 (VCV000751571.30), dbSNP rs146843778, ClinGen allele CA9908711.